The following is an entry in ClinVar:

ClinVar aggregate classification (germline): Benign/Likely benign. Review status: criteria provided, multiple submitters, no conflicts (2 of 4 stars). 5 submissions from 5 submitters: Benign (2); Likely benign (2). 1 of the submissions does not count toward it. Last evaluated 2026-01-24.

Conditions:
IDS-related disorder. Also called: IDS-related condition.
Mucopolysaccharidosis, MPS-II (MPS2). Also called: Attenuated MPS (subtype; formerly known as mild MPS II); Severe MPS II; I2S deficiency; MPS 2; Mucopolysaccharidosis type 2; Hunter Syndrome. Identifiers: Orphanet 580, Orphanet 79388, MedGen C0026705, MONDO:0010674, OMIM 309900.
Inborn genetic diseases. Identifiers: MedGen C0950123, MeSH D030342.

Allele frequency attached by ClinVar (database versions not stated): gnomAD exomes 0.00009 and 0.00027; ExAC 0.00037; ESP Exome Variant Server 0.00095; TOPMed 0.00107; gnomAD 0.00115 and 0.00117; 1000 Genomes Project 0.00159; 1000 Genomes Project 30x 0.00166.
gnomAD v4.1: 233 of 1,204,651 alleles (0.019%); highest among the groups gnomAD compares: African/African-American, 0.34%; 1 homozygote.

Submissions (5):

Labcorp Genetics (formerly Invitae), Labcorp
Classification: Benign for Mucopolysaccharidosis, MPS-II. Last evaluated: 2026-01-24. Review status: criteria provided, single submitter. Criteria: Invitae Variant Classification Sherloc (09022015). Collection method: clinical testing. Allele origin: germline.

Fulgent Genetics
Classification: Likely benign for Mucopolysaccharidosis, MPS-II. Last evaluated: 2021-10-13. Review status: criteria provided, single submitter. Criteria: ACMG Guidelines, 2015. Collection method: clinical testing. Allele origin: unknown.

Ambry Genetics
Classification: Benign for Inborn genetic diseases. Last evaluated: 2018-09-02. Review status: criteria provided, single submitter. Criteria: Ambry Variant Classification Scheme 2023. Collection method: clinical testing. Allele origin: germline.

Eurofins Ntd Llc (ga)
Classification: Likely benign. Last evaluated: 2018-02-08. Review status: criteria provided, single submitter. Criteria: EGL Classification Definitions 2015. Collection method: clinical testing. Allele origin: germline. Observed: 1 variant allele, 1 heterozygote.

PreventionGenetics, part of Exact Sciences
Classification: Likely benign for IDS-related condition. Last evaluated: 2024-04-12. Review status: no assertion criteria provided. Collection method: clinical testing. Allele origin: germline. Not counted in ClinVar's aggregate classification.
Comment: This variant is classified as likely benign based on ACMG/AMP sequence variant interpretation guidelines (Richards et al. 2015 PMID: 25741868, with internal and published modifications).

NM_000202.8(IDS):c.126C>T (p.Ile42=)

Gene: IDS (iduronate 2-sulfatase; minus strand). Cytogenetic location: Xq28.
Variant type: single nucleotide variant.
Coding change: c.126C>T on transcript NM_000202.8 (MANE Select); coding-DNA position 126, C replaced by T.
Protein change: p.Ile42=; no amino-acid change (isoleucine 42 retained).
Molecular consequence: synonymous variant. On other transcripts: 5 prime UTR variant (1), non-coding transcript variant (1).
Genome position (GRCh38, 1-based): chrX:149,504,271, G>A on the plus strand (C>T on the coding strand, the complement: IDS is on the minus strand). VCF-style: chrX-149504271-G-A. GRCh37 (hg19) VCF-style: chrX-148585801-G-A.
Other names: c.-101C>T (NM_001166550.4); c.126C>T, p.Ile42= (NM_006123.5); c.126C>T (NM_000202.7).
Identifiers: ClinVar variation 595868 (VCV000595868.19), dbSNP rs146963087, ClinGen allele CA10537729.
Genomic context (GRCh38, chrX:149,504,271, plus strand): 5'-TGGGGACCTCACCAGCTTATCCCCATAACAGCCCAGGGAGGGGCGCAGGTCATCCACGAT[G>A]ATGAGAAGAACGTTCAGAGCATCTACACAGGAGGGAGGGGCTTTGGTGAGGTAACCTGCA-3'
Protein context (NP_000193.1, residues 32-52): STTDALNVLL[Ile42=]IVDDLRPSLG